The following is an entry in ClinVar:

NM_014989.7(RIMS1):c.2897G>A (p.Arg966His)

Gene: RIMS1 (regulating synaptic membrane exocytosis 1; plus strand). Cytogenetic location: 6q13.
Variant type: single nucleotide variant.
Coding change: c.2897G>A on transcript NM_014989.7 (MANE Select); coding-DNA position 2897, G replaced by A.
Protein change: p.Arg966His; replaces arginine 966 with histidine.
Molecular consequence: missense variant.
Genome position (GRCh38, 1-based): chr6:72,258,251, G>A. VCF-style: chr6-72258251-G-A. GRCh37 (hg19) VCF-style: chr6-72967954-G-A.
Other names: c.1316G>A, p.Arg439His (NM_001168407.2, NM_001350415.2, NM_001350418.2 and 19 more transcripts); c.1319G>A, p.Arg440His (NM_001168408.2, NM_001350414.2, NM_001350416.2 and 15 more transcripts); c.1076G>A, p.Arg359His (NM_001168409.2, NM_001350464.2, NM_001350465.2 and 3 more transcripts); c.1274G>A, p.Arg425His (NM_001168410.2, NM_001350470.2, NM_001350473.2 and 1 more transcripts); c.1247G>A, p.Arg416His (NM_001350421.2, NM_001350430.2, NM_001350437.2 and 2 more transcripts); c.1250G>A, p.Arg417His (NM_001350424.2, NM_001350428.2, NM_001350459.2 and 1 more transcripts); c.1073G>A, p.Arg358His (NM_001350461.2, NM_001350463.2, NM_001350468.2); c.1271G>A, p.Arg424His (NM_001350472.2); short protein forms R425H, R416H, R440H, R358H, R359H, R417H, R424H, R439H.
Identifiers: ClinVar variation 2873824 (VCV002873824.4), dbSNP rs1314222046, ClinGen allele CA364681912.

ClinVar aggregate classification (germline): Uncertain significance. Review status: criteria provided, multiple submitters, no conflicts (2 of 4 stars). 2 submissions from 2 submitters: Uncertain significance (2). Last evaluated 2023-10-18.

gnomAD v4.1: 9 of 1,613,344 alleles (0.00056%); highest among the groups gnomAD compares: East Asian, 0.0045%; no homozygotes.

Submissions (2):

Labcorp Genetics (formerly Invitae), Labcorp
Classification: Uncertain significance. Last evaluated: 2023-10-18. Review status: criteria provided, single submitter. Criteria: Invitae Variant Classification Sherloc (09022015). Collection method: clinical testing. Allele origin: germline.
Comment: This sequence change replaces arginine, which is basic and polar, with histidine, which is basic and polar, at codon 966 of the RIMS1 protein (p.Arg966His). This variant is not present in population databases (gnomAD no frequency). This variant has not been reported in the literature in individuals affected with RIMS1-related conditions. An algorithm developed to predict the effect of missense changes on protein structure and function (PolyPhen-2) suggests that this variant is likely to be disruptive. In summary, the available evidence is currently insufficient to determine the role of this variant in disease. Therefore, it has been classified as a Variant of Uncertain Significance.

Blueprint Genetics
Classification: Uncertain significance. Last evaluated: 2022-10-26. Review status: criteria provided, single submitter. Criteria: ACMG Guidelines, 2015. Collection method: clinical testing. Allele origin: germline.